The following is an entry in ClinVar:

ClinVar aggregate classification (germline): Uncertain significance (1 of 4 stars; one submission).

Submission:

Labcorp Genetics (formerly Invitae), Labcorp
Classification: Uncertain significance. Last evaluated: 2024-07-02. Review status: criteria provided, single submitter. Criteria: Invitae Variant Classification Sherloc (09022015). Collection method: clinical testing. Allele origin: germline.
Comment: This sequence change replaces leucine, which is neutral and non-polar, with proline, which is neutral and non-polar, at codon 131 of the MICAL1 protein (p.Leu131Pro). This variant is not present in population databases (gnomAD no frequency). This variant has not been reported in the literature in individuals affected with MICAL1-related conditions. An algorithm developed to predict the effect of missense changes on protein structure and function (PolyPhen-2) suggests that this variant is likely to be disruptive. In summary, the available evidence is currently insufficient to determine the role of this variant in disease. Therefore, it has been classified as a Variant of Uncertain Significance.

NM_022765.4(MICAL1):c.335T>C (p.Leu112Pro)

Gene: MICAL1 (microtubule associated monooxygenase, calponin and LIM domain containing 1; minus strand). Cytogenetic location: 6q21.
Variant type: single nucleotide variant.
Coding change: c.335T>C on transcript NM_022765.4 (MANE Select); coding-DNA position 335, T replaced by C.
Protein change: p.Leu112Pro; replaces leucine 112 with proline.
Molecular consequence: missense variant.
Genome position (GRCh38, 1-based): chr6:109,453,769, A>G on the plus strand (T>C on the coding strand, the complement: MICAL1 is on the minus strand). VCF-style: chr6-109453769-A-G. GRCh37 (hg19) VCF-style: chr6-109774972-A-G.
Other names: c.335T>C, p.Leu112Pro (NM_001159291.2); c.392T>C, p.Leu131Pro (NM_001286613.2); short protein forms L112P, L131P.
Identifiers: ClinVar variation 3696191 (VCV003696191.2).